The following is an entry in ClinVar:

NM_022835.3(PLEKHG2):c.1025G>A (p.Arg342Gln)

Gene: PLEKHG2 (pleckstrin homology and RhoGEF domain containing G2; plus strand). Cytogenetic location: 19q13.2.
Variant type: single nucleotide variant.
Coding change: c.1025G>A on transcript NM_022835.3 (MANE Select); coding-DNA position 1025, G replaced by A.
Protein change: p.Arg342Gln; replaces arginine 342 with glutamine.
Molecular consequence: missense variant.
Genome position (GRCh38, 1-based): chr19:39,418,047, G>A. VCF-style: chr19-39418047-G-A. GRCh37 (hg19) VCF-style: chr19-39908687-G-A.
Other names: c.848G>A, p.Arg283Gln (NM_001351693.2); c.1025G>A, p.Arg342Gln (NM_001351694.2); short protein forms R283Q, R342Q.
Identifiers: ClinVar variation 1952780 (VCV001952780.5), dbSNP rs1207068575, ClinGen allele CA405791633.

ClinVar aggregate classification (germline): Uncertain significance (1 of 4 stars; one submission).

Allele frequency attached by ClinVar (database versions not stated): gnomAD exomes below 0.00001.

Submission:

Labcorp Genetics (formerly Invitae), Labcorp
Classification: Uncertain significance. Last evaluated: 2024-02-26. Review status: criteria provided, single submitter. Criteria: Invitae Variant Classification Sherloc (09022015). Collection method: clinical testing. Allele origin: germline.
Comment: This sequence change replaces arginine, which is basic and polar, with glutamine, which is neutral and polar, at codon 342 of the PLEKHG2 protein (p.Arg342Gln). This variant is not present in population databases (gnomAD no frequency). This variant has not been reported in the literature in individuals affected with PLEKHG2-related conditions. ClinVar contains an entry for this variant (Variation ID: 1952780). An algorithm developed to predict the effect of missense changes on protein structure and function (PolyPhen-2) suggests that this variant is likely to be disruptive. Algorithms developed to predict the effect of sequence changes on RNA splicing suggest that this variant may disrupt the consensus splice site. In summary, the available evidence is currently insufficient to determine the role of this variant in disease. Therefore, it has been classified as a Variant of Uncertain Significance.